The following is an entry in ClinVar:

NM_000488.4(SERPINC1):c.456CTT[2] (p.Phe155del)

Gene: SERPINC1 (serpin family C member 1; minus strand). Cytogenetic location: 1q25.1.
Variant type: Microsatellite.
Coding change: c.456CTT[2] on transcript NM_000488.4 (MANE Select); two copies in a row of the 3-base unit CTT starting at c.456; the reference has three copies in a row; one copy, 3 bases deleted; also written c.462_464del.
Protein change: p.Phe155del; deletes phenylalanine 155.
Molecular consequence: inframe deletion. On other transcripts: intron variant (1).
Genome position (GRCh38, 1-based): chr1:173,911,959-173,911,961, AAG deleted on the plus strand (CTT on the coding strand, the reverse complement: SERPINC1 is on the minus strand); deleting any 3 consecutive bases within chr1:173,911,959-173,911,967 gives the same sequence; the position shown is the placement nearest the transcript's 3' end. VCF-style (leftmost placement, unchanged base first): chr1-173911958-AAAG-A. GRCh37 (hg19) VCF-style: chr1-173881096-AAAG-A.
Other names: p.Phe155del; c.312CTT[2], p.Phe107del (NM_001365052.2); c.456CTT[2], p.Phe155del (NM_001386302.1, NM_001386304.1, NM_001386305.1); c.537CTT[2], p.Phe182del (NM_001386303.1); c.409-1076CTT[2] (NM_001386306.1); c.462_464delCTT (NM_000488.3); c.462_464del (NM_000488.3); short protein forms F155del, F107del, F182del.
Identifiers: ClinVar variation 188092 (VCV000188092.6), dbSNP rs786204063, ClinGen allele CA334029.

ClinVar aggregate classification (germline): Pathogenic/Likely pathogenic. Review status: criteria provided, multiple submitters, no conflicts (2 of 4 stars). 2 submissions from 2 submitters: Pathogenic (1); Likely pathogenic (1). Last evaluated 2025-05-19.

Conditions:
Hereditary antithrombin deficiency (AT3D). Also called: Antithrombin III deficiency; Thrombophilia due to antithrombin III deficiency; Antithrombin deficiency; Reduced antithrombin III activity. Identifiers: Orphanet 82, MedGen C0272375, MONDO:0013144, OMIM 613118, HP:0001976.

Submissions (2):

Labcorp Genetics (formerly Invitae), Labcorp
Classification: Pathogenic for Hereditary antithrombin deficiency. Last evaluated: 2025-05-19. Review status: criteria provided, single submitter. Criteria: Invitae Variant Classification Sherloc (09022015). Collection method: clinical testing. Allele origin: germline.
Comment: This variant, c.462_464del, results in the deletion of 1 amino acid(s) of the SERPINC1 protein (p.Phe155del), but otherwise preserves the integrity of the reading frame. This variant is not present in population databases (gnomAD no frequency). This variant has been observed in individuals with type I antithrombin deficiency (PMID: 8217824, 8401542, 9701453). This variant is also known as c.5356_5364delCTT. ClinVar contains an entry for this variant (Variation ID: 188092). Algorithms developed to predict the effect of variants on gene product structure and function are not available or were not evaluated for this variant. Experimental studies have shown that this variant affects SERPINC1 function (PMID: 8217824, 8401542, 9701453). For these reasons, this variant has been classified as Pathogenic.

Mayo Clinic Laboratories, Mayo Clinic
Classification: Likely pathogenic. Last evaluated: 2024-03-29. Review status: criteria provided, single submitter. Criteria: ACMG Guidelines, 2015. Collection method: clinical testing. Allele origin: germline. Observed: 2 variant alleles.
Comment: PM2_moderate, PM4, PS4_moderate

Literature cited by the submitters: PubMed 8217824 (cited by Labcorp Genetics (formerly Invitae), Labcorp and Mayo Clinic Laboratories, Mayo Clinic); PubMed 8401542 (cited by Labcorp Genetics (formerly Invitae), Labcorp and Mayo Clinic Laboratories, Mayo Clinic); PubMed 9701453 (cited by Labcorp Genetics (formerly Invitae), Labcorp and Mayo Clinic Laboratories, Mayo Clinic); PubMed 28174134 (cited by Mayo Clinic Laboratories, Mayo Clinic); PubMed 28300866 (cited by Mayo Clinic Laboratories, Mayo Clinic); PubMed 29378360 (cited by Mayo Clinic Laboratories, Mayo Clinic); PubMed 31030036 (cited by Mayo Clinic Laboratories, Mayo Clinic); PubMed 33672736 (cited by Mayo Clinic Laboratories, Mayo Clinic).